The following is an entry in ClinVar:

ClinVar aggregate classification (germline): Uncertain significance. Review status: criteria provided, multiple submitters, no conflicts (2 of 4 stars). 4 submissions from 4 submitters: Uncertain significance (4). Last evaluated 2025-11-10.

Conditions:
Familial thoracic aortic aneurysm and aortic dissection (TAAD). Also called: Thoracic aortic aneurysms and dissections. Identifiers: Orphanet 91387, MedGen C4707243, MONDO:0019625.
Marfan syndrome (MFS). Also called: MARFAN SYNDROME, TYPE I; FBN1-Related Marfan Syndrome; Marfan syndrome type 1; Marfan's syndrome; Marfan syndrome, classic. Identifiers: Orphanet 284963, Orphanet 558, MedGen C0024796, MONDO:0007947, OMIM 154700.

gnomAD v4.1: 2 of 1,613,850 alleles (0.00012%); no homozygotes.

Submissions (4):

Color Diagnostics, LLC DBA Color Health
Classification: Uncertain significance for Familial thoracic aortic aneurysm and aortic dissection. Last evaluated: 2025-11-10. Review status: criteria provided, single submitter. Criteria: ACMG Guidelines, 2015. Collection method: clinical testing. Allele origin: germline.
Comment: This missense variant replaces tyrosine with phenylalanine at codon 2062 of the FBN1 protein. Computational prediction suggests that this variant may not impact protein structure and function. To our knowledge, functional studies have not been reported for this variant. This variant has not been reported in individuals affected with FBN1-related disorders in the literature. This variant has been identified in 2/1613850 chromosomes in the general population by the Genome Aggregation Database (gnomAD). The available evidence is insufficient to determine the role of this variant in disease conclusively. Therefore, this variant is classified as a Variant of Uncertain Significance.

All of Us Research Program, National Institutes of Health
Classification: Uncertain significance for Marfan syndrome. Last evaluated: 2024-08-13. Review status: criteria provided, single submitter. Criteria: ACMG Guidelines, 2015. Collection method: clinical testing. Allele origin: germline. Inheritance: Autosomal dominant inheritance. Observed: 1 variant allele, 1 heterozygote.
Comment: This missense variant replaces tyrosine with phenylalanine at codon 2062 of the FBN1 protein. Computational prediction suggests that this variant may not impact protein structure and function. To our knowledge, functional studies have not been reported for this variant. This variant has not been reported in individuals affected with FBN1-related disorders in the literature. This variant has not been identified in the general population by the Genome Aggregation Database (gnomAD). The available evidence is insufficient to determine the role of this variant in disease conclusively. Therefore, this variant is classified as a Variant of Uncertain Significance.

This study involves interpretation of variants in research participants for the purpose of population health screening. Participant phenotype was not available at the time of variant classification. Additional details can be found in publication PMID: 35346344, PMCID: PMC8962531

Blueprint Genetics
Classification: Uncertain significance. Last evaluated: 2024-04-12. Review status: criteria provided, single submitter. Criteria: ACMG Guidelines, 2015. Collection method: clinical testing. Allele origin: germline.

CHEO Genetics Diagnostic Laboratory, Children's Hospital of Eastern Ontario
Classification: Uncertain significance for Familial thoracic aortic aneurysm and aortic dissection. Last evaluated: 2023-05-10. Review status: criteria provided, single submitter. Criteria: ACMG Guidelines, 2015. Collection method: clinical testing. Allele origin: germline.

NM_000138.5(FBN1):c.6185A>T (p.Tyr2062Phe)

Gene: FBN1 (fibrillin 1; minus strand). Cytogenetic location: 15q21.1.
Variant type: single nucleotide variant.
Coding change: c.6185A>T on transcript NM_000138.5 (MANE Select); coding-DNA position 6185, A replaced by T.
Protein change: p.Tyr2062Phe; replaces tyrosine 2062 with phenylalanine.
Molecular consequence: missense variant.
Genome position (GRCh38, 1-based): chr15:48,437,896, T>A on the plus strand (A>T on the coding strand, the complement: FBN1 is on the minus strand). VCF-style: chr15-48437896-T-A. GRCh37 (hg19) VCF-style: chr15-48730093-T-A.
Other names: c.6185A>T, p.Tyr2062Phe (NM_001406716.1); short protein forms Y2062F.
Identifiers: ClinVar variation 2442870 (VCV002442870.7), dbSNP rs1555395266, ClinGen allele CA392337253.